The following is an entry in ClinVar:

ClinVar aggregate classification (germline): Likely benign (1 of 4 stars; one submission).

gnomAD v4.1: 9 of 1,559,854 alleles (0.00058%); highest among the groups gnomAD compares: Admixed American, 0.0018%; no homozygotes.

Submission:

CeGaT Center for Human Genetics Tuebingen
Classification: Likely benign. Last evaluated: 2026-09-01. Review status: criteria provided, single submitter. Criteria: CeGaT Center For Human Genetics Tuebingen Variant Classification Criteria Version 2. Collection method: clinical testing. Allele origin: germline. Affected: yes. Observed: 1 variant allele.
Comment: OVCA2: BP4, BP7

NM_080822.3(OVCA2):c.78C>T (p.Thr26=)

Genes: DPH1 (diphthamide biosynthesis 1; plus strand), OVCA2 (OVCA2 serine hydrolase domain containing; plus strand), LOC130059903 (ATAC-STARR-seq lymphoblastoid silent region 7968; plus strand). Cytogenetic location: 17p13.3.
Variant type: single nucleotide variant.
Coding change: c.78C>T on transcript NM_080822.3 (MANE Select); coding-DNA position 78, C replaced by T.
Protein change: p.Thr26=; no amino-acid change (threonine 26 retained).
Molecular consequence: synonymous variant. On other transcripts: intron variant (4).
Genome position (GRCh38, 1-based): chr17:2,042,125, C>T. VCF-style: chr17-2042125-C-T. GRCh37 (hg19) VCF-style: chr17-1945419-C-T.
Other names: c.*18+250C>T (NM_001346574.1, NM_001346575.1, NM_001383.6 and 1 more transcripts).
Identifiers: ClinVar variation 5041477 (VCV005041477.1).